The following is an entry in ClinVar:

ClinVar aggregate classification (germline): Uncertain significance (1 of 4 stars; one submission).

Conditions:
CTNND2-related disorder. Also called: CTNND2-related condition.

gnomAD v4.1: 2 of 1,614,036 alleles (0.00012%); highest among the groups gnomAD compares: South Asian, 0.0022%; no homozygotes.

Submission:

PreventionGenetics, part of Exact Sciences
Classification: Uncertain significance for CTNND2-related condition. Last evaluated: 2026-06-04. Review status: criteria provided, single submitter. Criteria: ACMG Guidelines, 2015. Collection method: clinical testing. Allele origin: germline.
Comment: The CTNND2 c.3101A>G variant is predicted to result in the amino acid substitution p.Tyr1034Cys. To our knowledge, this variant has not been reported in the literature. This variant is reported in 0.0033% of alleles in individuals of South Asian descent in gnomAD. At this time, the clinical significance of this variant is uncertain due to the absence of conclusive functional and genetic evidence.

NM_001332.4(CTNND2):c.3101A>G (p.Tyr1034Cys)

Gene: CTNND2 (catenin delta 2; minus strand). Cytogenetic location: 5p15.2.
Variant type: single nucleotide variant.
Coding change: c.3101A>G on transcript NM_001332.4 (MANE Select); coding-DNA position 3101, A replaced by G.
Protein change: p.Tyr1034Cys; replaces tyrosine 1034 with cysteine.
Molecular consequence: missense variant. On other transcripts: non-coding transcript variant (1).
Genome position (GRCh38, 1-based): chr5:10,992,661, T>C on the plus strand (A>G on the coding strand, the complement: CTNND2 is on the minus strand). VCF-style: chr5-10992661-T-C. GRCh37 (hg19) VCF-style: chr5-10992773-T-C.
Other names: c.2828A>G, p.Tyr943Cys (NM_001288715.1); c.2090A>G, p.Tyr697Cys (NM_001288716.1); c.1802A>G, p.Tyr601Cys (NM_001288717.2); c.2165A>G, p.Tyr722Cys (NM_001364128.2); short protein forms Y1034C, Y601C, Y722C, Y697C, Y943C.
Identifiers: ClinVar variation 4995618 (VCV004995618.1).